The following is an entry in ClinVar:

NM_000552.5(VWF):c.6902-5T>A

Gene: VWF (von Willebrand factor; minus strand). Cytogenetic location: 12p13.31.
Variant type: single nucleotide variant.
Coding change: c.6902-5T>A on transcript NM_000552.5 (MANE Select); 5 bases into the intron before coding-DNA position 6902, T replaced by A.
Molecular consequence: intron variant.
Genome position (GRCh38, 1-based): chr12:5,985,124, A>T on the plus strand (T>A on the coding strand, the complement: VWF is on the minus strand). VCF-style: chr12-5985124-A-T. GRCh37 (hg19) VCF-style: chr12-6094290-A-T.
Other names: p.?; c.6902-5T>A (NM_000552.4).
Identifiers: ClinVar variation 310048 (VCV000310048.11), dbSNP rs112046757, ClinGen allele CA6401849.

ClinVar aggregate classification (germline): Benign/Likely benign. Review status: criteria provided, multiple submitters, no conflicts (2 of 4 stars). 4 submissions from 4 submitters: Benign (1); Likely benign (3). Last evaluated 2025-04-18.

Conditions:
Hereditary von Willebrand disease. Identifiers: Orphanet 903, MedGen C5703318, MONDO:0019565. Inheritance: Autosomal recessive or Autosomal dominant.

Allele frequency attached by ClinVar (database versions not stated): gnomAD exomes 0.00137 and 0.00358; ExAC 0.00445; gnomAD 0.01391 and 0.01517; 1000 Genomes Project 0.01458; 1000 Genomes Project 30x 0.01499; TOPMed 0.01615; ESP Exome Variant Server 0.01622.
gnomAD v4.1: 4,201 of 1,614,132 alleles (0.26%); highest among the groups gnomAD compares: African/African-American, 4.8%; 92 homozygotes.

Submissions (7):

Quest Diagnostics Nichols Institute San Juan Capistrano
Classification: Likely benign. Last evaluated: 2025-04-18. Review status: criteria provided, single submitter. Criteria: Quest Diagnostics criteria. Collection method: clinical testing. Allele origin: unknown.

ARUP Laboratories, Molecular Genetics and Genomics, ARUP Laboratories
Classification: Benign. Last evaluated: 2025-01-21. Review status: criteria provided, single submitter. Criteria: ARUP Molecular Germline Variant Investigation Process 2024. Collection method: clinical testing. Allele origin: germline.

Mayo Clinic Laboratories, Mayo Clinic
Classification: Likely benign. Last evaluated: 2023-07-10. Review status: criteria provided, single submitter. Criteria: ACMG Guidelines, 2015. Collection method: clinical testing. Allele origin: germline. Observed: 7 variant alleles.
Comment: BS1, BP2

Illumina Laboratory Services, Illumina
Classification: Likely benign for von Willebrand disorder. Last evaluated: 2018-01-12. Review status: criteria provided, single submitter. Criteria: ICSL Variant Classification Criteria 13 December 2019. Collection method: clinical testing. Allele origin: germline.
Comment: This variant was observed in the ICSL laboratory as part of a predisposition screen in an ostensibly healthy population. It had not been previously curated by ICSL or reported in the Human Gene Mutation Database (HGMD: prior to June 1st, 2018), and was therefore a candidate for classification through an automated scoring system. Utilizing variant allele frequency, disease prevalence and penetrance estimates, and inheritance mode, an automated score was calculated to assess if this variant is too frequent to cause the disease. Based on the score and internal cut-off values, a variant classified as likely benign is not then subjected to further curation. The score for this variant resulted in a classification of likely benign for this disease.

Dr. Peter K. Rogan Lab, Western University
No classification provided (evidence only). Condition: Clear cell carcinoma of kidney. Review status: no classification provided. Collection method: in vitro. Allele origin: not applicable. Functional consequence: skipped exon, retained intron. Not counted in ClinVar's aggregate classification.

Dr. Peter K. Rogan Lab, Western University
No classification provided (evidence only). Condition: Cervical cancer. Review status: no classification provided. Collection method: in vitro. Allele origin: not applicable. Functional consequence: retained intron. Not counted in ClinVar's aggregate classification.

Dr. Peter K. Rogan Lab, Western University
No classification provided (evidence only). Condition: Sarcoma. Review status: no classification provided. Collection method: in vitro. Allele origin: not applicable. Functional consequence: skipped exon. Not counted in ClinVar's aggregate classification.

Literature cited by the submitters: PubMed 23311757 (cited by Quest Diagnostics Nichols Institute San Juan Capistrano).